The following is an entry in ClinVar:

ClinVar aggregate classification (germline): Uncertain significance (1 of 4 stars; one submission).

Conditions:
Inborn genetic diseases. Identifiers: MedGen C0950123, MeSH D030342.

Allele frequency attached by ClinVar (database versions not stated): TOPMed below 0.00001.
gnomAD v4.1: 1 of 1,614,160 alleles (0.000062%); highest among the groups gnomAD compares: Non-Finnish European, 0.000085%; no homozygotes.

Submission:

Ambry Genetics
Classification: Uncertain significance for Inborn genetic diseases. Last evaluated: 2023-10-12. Review status: criteria provided, single submitter. Criteria: Ambry Variant Classification Scheme 2023. Collection method: clinical testing. Allele origin: germline.
Comment: The p.Q784H variant (also known as c.2352G>C), located in coding exon 15 of the EPAS1 gene, results from a G to C substitution at nucleotide position 2352. The glutamine at codon 784 is replaced by histidine, an amino acid with highly similar properties. This amino acid position is conserved. In addition, this alteration is predicted to be tolerated by in silico analysis. Since supporting evidence is limited at this time, the clinical significance of this alteration remains unclear.

NM_001430.5(EPAS1):c.2352G>C (p.Gln784His)

Gene: EPAS1 (endothelial PAS domain protein 1; plus strand). Cytogenetic location: 2p21.
Variant type: single nucleotide variant.
Coding change: c.2352G>C on transcript NM_001430.5 (MANE Select); coding-DNA position 2352, G replaced by C.
Protein change: p.Gln784His; replaces glutamine 784 with histidine.
Molecular consequence: missense variant.
Genome position (GRCh38, 1-based): chr2:46,382,489, G>C. VCF-style: chr2-46382489-G-C. GRCh37 (hg19) VCF-style: chr2-46609628-G-C.
Other names: short protein forms Q784H.
Identifiers: ClinVar variation 1790034 (VCV001790034.2), dbSNP rs115842412, ClinGen allele CA46569356.